The following is an entry in ClinVar:

NM_004646.4(NPHS1):c.621del (p.Ser208fs)

Gene: NPHS1 (NPHS1 adhesion molecule, nephrin; minus strand). Cytogenetic location: 19q13.12.
Variant type: Deletion.
Coding change: c.621del on transcript NM_004646.4 (MANE Select); coding-DNA position 621, one base deleted (G; older notation c.621delG).
Protein change: p.Ser208fs; shifts the reading frame from serine 208.
Molecular consequence: frameshift variant.
Genome position (GRCh38, 1-based): chr19:35,849,641, C deleted on the plus strand (G on the coding strand, the reverse complement: NPHS1 is on the minus strand); the first of 2 consecutive C bases (chr19:35,849,641-35,849,642); deleting either gives the same sequence. VCF-style (leftmost placement, unchanged base first): chr19-35849640-TC-T. GRCh37 (hg19) VCF-style: chr19-36340542-TC-T.
Other names: short protein forms S208fs.
Identifiers: ClinVar variation 1301890 (VCV001301890.3), dbSNP rs2146828521, ClinGen allele CA2573054746.

ClinVar aggregate classification (germline): Pathogenic/Likely pathogenic. Review status: criteria provided, multiple submitters, no conflicts (2 of 4 stars). 2 submissions from 2 submitters: Pathogenic (1); Likely pathogenic (1). Last evaluated 2024-03-19.

Conditions:
Finnish congenital nephrotic syndrome (NPHS1). Also called: NEPHROTIC SYNDROME, TYPE 1. Identifiers: Orphanet 839, MedGen C0403399, MONDO:0009732, OMIM 256300.

Submissions (2):

Fulgent Genetics
Classification: Likely pathogenic for Finnish congenital nephrotic syndrome. Last evaluated: 2024-03-19. Review status: criteria provided, single submitter. Criteria: ACMG Guidelines, 2015. Collection method: clinical testing. Allele origin: germline.

Rady Children's Institute for Genomic Medicine, Rady Children's Hospital San Diego
Classification: Pathogenic for NEPHROTIC SYNDROME, TYPE 1. Last evaluated: 2020-10-30. Review status: criteria provided, single submitter. Criteria: ACMG Guidelines, 2015. Collection method: clinical testing. Allele origin: germline. Affected: yes.
Comment: This frameshifting variant in exon 6 of 29 introduces a premature stop codon and is therefore predicted to result in loss of normal protein function through either protein truncation or nonsense-mediated mRNA decay (NMD). This variant has not been previously reported or functionally characterized in the literature to our knowledge. It is absent from the gnomAD population database and thus is presumed to be rare. Based on the available evidence, the c.621del (p.Ser208AlafsTer27) variant is classified as Pathogenic.